The following is an entry in ClinVar:

ClinVar aggregate classification (germline): Likely pathogenic (1 of 4 stars; one submission).

Conditions:
Bardet-Biedl syndrome 16 (BBS16). Identifiers: Orphanet 110, MedGen C3889474, MONDO:0014444, OMIM 615993.

Allele frequency attached by ClinVar (database versions not stated): gnomAD exomes 0.00001.
gnomAD v4.1: 4 of 1,589,714 alleles (0.00025%); highest among the groups gnomAD compares: Non-Finnish European, 0.00035%; no homozygotes.

Submission:

Greenwood Genetic Center Diagnostic Laboratories, Greenwood Genetic Center
Classification: Likely pathogenic for Bardet-Biedl syndrome 16. Last evaluated: 2022-04-28. Review status: criteria provided, single submitter. Criteria: ACMG Guidelines, 2015. Collection method: clinical testing. Allele origin: germline. Affected: yes.
Comment: PVS1, PM2

NM_006642.5(SDCCAG8):c.1853+2T>C

Gene: SDCCAG8 (SHH signaling and ciliogenesis regulator SDCCAG8; plus strand). Cytogenetic location: 1q43.
Variant type: single nucleotide variant.
Coding change: c.1853+2T>C on transcript NM_006642.5 (MANE Select); the canonical splice donor site of the intron after coding-DNA position 1853, T replaced by C.
Molecular consequence: splice donor variant.
Genome position (GRCh38, 1-based): chr1:243,418,078, T>C. VCF-style: chr1-243418078-T-C. GRCh37 (hg19) VCF-style: chr1-243581380-T-C.
Other names: c.1559+2T>C (NM_001350249.2); c.950+2T>C (NM_001350251.2, NM_001350246.2, NM_001350247.2); c.1949+2T>C (NM_001350248.2).
Identifiers: ClinVar variation 1703170 (VCV001703170.3), dbSNP rs2528456354, ClinGen allele CA345667625.
Genomic context (GRCh38, chr1:243,418,078, plus strand): 5'-TTAAAGGAAGAATGCTGTACATTAGCCAAGAAACTGGAACAAATCTCTCAAAAAACCAGG[T>C]AGGTGATGTTATAGAATACTTTCAAGAGCACTGTTTGTGTGATTACTCTAATTTTTCCTT-3'